The following is an entry in ClinVar:

ClinVar aggregate classification (germline): Uncertain significance. Review status: criteria provided, multiple submitters, no conflicts (2 of 4 stars). 2 submissions from 2 submitters: Uncertain significance (2). Last evaluated 2025-01-27.

Conditions:
Inborn genetic diseases. Identifiers: MedGen C0950123, MeSH D030342.

Allele frequency attached by ClinVar (database versions not stated): TOPMed below 0.00001; gnomAD 0.00001.
gnomAD v4.1: 3 of 1,613,922 alleles (0.00019%); highest among the groups gnomAD compares: Non-Finnish European, 0.00025%; no homozygotes.

Submissions (2):

Ambry Genetics
Classification: Uncertain significance for Inborn genetic diseases. Last evaluated: 2025-01-27. Review status: criteria provided, single submitter. Criteria: Ambry Variant Classification Scheme 2023. Collection method: clinical testing. Allele origin: germline.
Comment: The p.P489T variant (also known as c.1465C>A), located in coding exon 1 of the SAMD9 gene, results from a C to A substitution at nucleotide position 1465. The proline at codon 489 is replaced by threonine, an amino acid with highly similar properties. This amino acid position is conserved. In addition, this alteration is predicted to be tolerated by in silico analysis. Based on the available evidence, the clinical significance of this variant remains unclear.

Labcorp Genetics (formerly Invitae), Labcorp
Classification: Uncertain significance. Last evaluated: 2024-10-15. Review status: criteria provided, single submitter. Criteria: Invitae Variant Classification Sherloc (09022015). Collection method: clinical testing. Allele origin: germline.
Comment: This sequence change replaces proline, which is neutral and non-polar, with threonine, which is neutral and polar, at codon 489 of the SAMD9 protein (p.Pro489Thr). This variant is not present in population databases (gnomAD no frequency). This variant has not been reported in the literature in individuals affected with SAMD9-related conditions. ClinVar contains an entry for this variant (Variation ID: 2094955). Invitae Evidence Modeling of protein sequence and biophysical properties (such as structural, functional, and spatial information, amino acid conservation, physicochemical variation, residue mobility, and thermodynamic stability) indicates that this missense variant is not expected to disrupt SAMD9 protein function with a negative predictive value of 95%. In summary, the available evidence is currently insufficient to determine the role of this variant in disease. Therefore, it has been classified as a Variant of Uncertain Significance.

NM_017654.4(SAMD9):c.1465C>A (p.Pro489Thr)

Gene: SAMD9 (sterile alpha motif domain containing 9; minus strand). Cytogenetic location: 7q21.2.
Variant type: single nucleotide variant.
Coding change: c.1465C>A on transcript NM_017654.4 (MANE Select); coding-DNA position 1465, C replaced by A.
Protein change: p.Pro489Thr; replaces proline 489 with threonine.
Molecular consequence: missense variant.
Genome position (GRCh38, 1-based): chr7:93,104,633, G>T on the plus strand (C>A on the coding strand, the complement: SAMD9 is on the minus strand). VCF-style: chr7-93104633-G-T. GRCh37 (hg19) VCF-style: chr7-92733946-G-T.
Other names: c.1465C>A (NM_017654.3); c.1465C>A, p.Pro489Thr (NM_001193307.2); short protein forms P489T.
Identifiers: ClinVar variation 2094955 (VCV002094955.4), dbSNP rs1360150471, ClinGen allele CA368196435.